The following is an entry in ClinVar:

NM_006227.4(PLTP):c.55T>C (p.Phe19Leu)

Gene: PLTP (phospholipid transfer protein; minus strand). Cytogenetic location: 20q13.12.
Variant type: single nucleotide variant.
Coding change: c.55T>C on transcript NM_006227.4 (MANE Select); coding-DNA position 55, T replaced by C.
Protein change: p.Phe19Leu; replaces phenylalanine 19 with leucine.
Molecular consequence: missense variant.
Genome position (GRCh38, 1-based): chr20:45,911,398, A>G on the plus strand (T>C on the coding strand, the complement: PLTP is on the minus strand). VCF-style: chr20-45911398-A-G. GRCh37 (hg19) VCF-style: chr20-44540037-A-G.
Other names: c.55T>C, p.Phe19Leu (NM_001242920.2, NM_182676.3); short protein forms F19L.
Identifiers: ClinVar variation 1501559 (VCV001501559.7), dbSNP rs151157782, ClinGen allele CA9884030.

ClinVar aggregate classification (germline): Uncertain significance. Review status: criteria provided, multiple submitters, no conflicts (2 of 4 stars). 2 submissions from 2 submitters: Uncertain significance (2). Last evaluated 2025-12-19.

Allele frequency attached by ClinVar (database versions not stated): 1000 Genomes Project 30x 0.00031; gnomAD 0.00082 and 0.00084; gnomAD exomes 0.00087 and 0.00089; ExAC 0.00090; TOPMed 0.00099; ESP Exome Variant Server 0.00108.
gnomAD v4.1: 1,416 of 1,609,898 alleles (0.088%); highest among the groups gnomAD compares: Middle Eastern, 0.66%; no homozygotes.

Submissions (2):

Labcorp Genetics (formerly Invitae), Labcorp
Classification: Uncertain significance. Last evaluated: 2025-12-19. Review status: criteria provided, single submitter. Criteria: Invitae Variant Classification Sherloc (09022015). Collection method: clinical testing. Allele origin: germline.
Comment: This sequence change replaces phenylalanine, which is neutral and non-polar, with leucine, which is neutral and non-polar, at codon 19 of the PLTP protein (p.Phe19Leu). This variant is present in population databases (rs151157782, gnomAD 0.1%), and has an allele count higher than expected for a pathogenic variant. This variant has not been reported in the literature in individuals affected with PLTP-related conditions. ClinVar contains an entry for this variant (Variation ID: 1501559). An algorithm developed to predict the effect of missense changes on protein structure and function outputs the following: PolyPhen-2: "Benign". The leucine amino acid residue is found in multiple mammalian species, which suggests that this missense change does not adversely affect protein function. In summary, the available evidence is currently insufficient to determine the role of this variant in disease. Therefore, it has been classified as a Variant of Uncertain Significance.

Breakthrough Genomics
Classification: Uncertain significance. Review status: criteria provided, single submitter. Criteria: ACMG Guidelines, 2015. Collection method: not provided. Allele origin: germline. Inheritance: Autosomal dominant inheritance. Affected: yes.